The following is an entry in ClinVar:

NM_052989.3(IFT122):c.535A>G (p.Ile179Val)

Gene: IFT122 (intraflagellar transport 122; plus strand). Cytogenetic location: 3q21.3.
Variant type: single nucleotide variant.
Coding change: c.535A>G on transcript NM_052989.3 (MANE Select); coding-DNA position 535, A replaced by G.
Protein change: p.Ile179Val; replaces isoleucine 179 with valine.
Molecular consequence: missense variant.
Genome position (GRCh38, 1-based): chr3:129,464,753, A>G. VCF-style: chr3-129464753-A-G. GRCh37 (hg19) VCF-style: chr3-129183596-A-G.
Other names: c.688A>G, p.Ile230Val (NM_001280541.2, NM_052985.4); c.85A>G, p.Ile29Val (NM_001280545.2, NM_001280546.2); c.535A>G, p.Ile179Val (NM_001410808.1, NM_001410809.1, NM_001410810.1 and 3 more transcripts); c.379A>G, p.Ile127Val (NM_001410815.1, NM_001410817.1, NM_052990.3); c.688A>G (NM_052985.2); short protein forms I127V, I230V, I29V, I179V.
Identifiers: ClinVar variation 2054943 (VCV002054943.5), dbSNP rs759107218, ClinGen allele CA2605905.

ClinVar aggregate classification (germline): Conflicting classifications of pathogenicity. Review status: criteria provided, conflicting classifications (1 of 4 stars). 3 submissions from 3 submitters: Uncertain significance (2); Likely benign (1). Last evaluated 2025-06-24.

Conditions:
Inborn genetic diseases. Identifiers: MedGen C0950123, MeSH D030342.
Cranioectodermal dysplasia 1 (CED1). Also called: LEVIN SYNDROME I. Identifiers: Orphanet 1515, MedGen C0432235, MONDO:0021093, OMIM 218330.

Allele frequency attached by ClinVar (database versions not stated): TOPMed 0.00001; gnomAD 0.00002; ExAC 0.00012.
gnomAD v4.1: 72 of 1,614,020 alleles (0.0045%); highest among the groups gnomAD compares: South Asian, 0.047%; 1 homozygote.

Submissions (3):

Ambry Genetics
Classification: Likely benign for Inborn genetic diseases. Last evaluated: 2025-06-24. Review status: criteria provided, single submitter. Criteria: Ambry Variant Classification Scheme 2023. Collection method: clinical testing. Allele origin: germline.

Labcorp Genetics (formerly Invitae), Labcorp
Classification: Uncertain significance for Cranioectodermal dysplasia 1. Last evaluated: 2022-10-24. Review status: criteria provided, single submitter. Criteria: Invitae Variant Classification Sherloc (09022015). Collection method: clinical testing. Allele origin: germline.
Comment: This sequence change replaces isoleucine, which is neutral and non-polar, with valine, which is neutral and non-polar, at codon 230 of the IFT122 protein (p.Ile230Val). This variant is present in population databases (rs759107218, gnomAD 0.05%). This variant has not been reported in the literature in individuals affected with IFT122-related conditions. Advanced modeling of protein sequence and biophysical properties (such as structural, functional, and spatial information, amino acid conservation, physicochemical variation, residue mobility, and thermodynamic stability) performed at Invitae indicates that this missense variant is not expected to disrupt IFT122 protein function. In summary, the available evidence is currently insufficient to determine the role of this variant in disease. Therefore, it has been classified as a Variant of Uncertain Significance.

Revvity Omics, Revvity
Classification: Uncertain significance for Cranioectodermal dysplasia 1. Last evaluated: 2019-09-14. Review status: criteria provided, single submitter. Criteria: ACMG Guidelines, 2015. Collection method: clinical testing. Allele origin: germline.